The following is an entry in ClinVar:

NM_014000.3(VCL):c.168+1del

Gene: VCL (vinculin; plus strand). Cytogenetic location: 10q22.2.
Variant type: Deletion.
Coding change: c.168+1del on transcript NM_014000.3 (MANE Select); the canonical splice donor site of the intron after coding-DNA position 168, one base deleted (G; older notation c.168+1delG).
Molecular consequence: splice donor variant.
Genome position (GRCh38, 1-based): chr10:73,998,376, G deleted; the last of 3 consecutive G bases (chr10:73,998,374-73,998,376); deleting any one gives the same sequence. VCF-style (leftmost placement, unchanged base first): chr10-73998373-CG-C. GRCh37 (hg19) VCF-style: chr10-75758131-CG-C.
Other names: c.168+1del (NM_003373.4).
Identifiers: ClinVar variation 2052227 (VCV002052227.7), dbSNP rs2549180885, ClinGen allele CA2574585298.

ClinVar aggregate classification (germline): Uncertain significance. Review status: criteria provided, multiple submitters, no conflicts (2 of 4 stars). 2 submissions from 2 submitters: Uncertain significance (2). Last evaluated 2026-01-25.

Conditions:
Dilated cardiomyopathy 1W (CMD1W). Identifiers: Orphanet 154, MedGen C1969639, MONDO:0012667, OMIM 611407.
Cardiovascular phenotype. Identifiers: MedGen CN230736.

Submissions (2):

Labcorp Genetics (formerly Invitae), Labcorp
Classification: Uncertain significance for Dilated cardiomyopathy 1W. Last evaluated: 2026-01-25. Review status: criteria provided, single submitter. Criteria: Invitae Variant Classification Sherloc (09022015). Collection method: clinical testing. Allele origin: germline.
Comment: This sequence change falls in intron 1 of the VCL gene. It does not directly change the encoded amino acid sequence of the VCL protein. It affects a nucleotide within the consensus splice site. This variant is not present in population databases (gnomAD no frequency). This variant has not been reported in the literature in individuals affected with VCL-related conditions. ClinVar contains an entry for this variant (Variation ID: 2052227). Variants that disrupt the consensus splice site are a relatively common cause of aberrant splicing (PMID: 17576681, 9536098). Experimental studies and prediction algorithms are not available or were not evaluated, and the effect of this variant on mRNA splicing is currently unknown. In summary, the available evidence is currently insufficient to determine the role of this variant in disease. Therefore, it has been classified as a Variant of Uncertain Significance.

Ambry Genetics
Classification: Uncertain significance for Cardiovascular phenotype. Last evaluated: 2026-01-09. Review status: criteria provided, single submitter. Criteria: Ambry Variant Classification Scheme 2023. Collection method: clinical testing. Allele origin: germline.
Comment: The c.168+1delG intronic variant, located in intron 1 of the VCL gene, results from a deletion of one nucleotide within intron 1 of the VCL gene. This nucleotide position is highly conserved in available vertebrate species. In silico splice site analysis predicts that this alteration will weaken the native splice donor site and will result in the creation or strengthening of a novel splice donor site. Alterations that disrupt the canonical splice site are expected to cause aberrant splicing, resulting in an abnormal protein or a transcript that is subject to nonsense-mediated mRNA decay. However, loss of function has not been established as a mechanism of disease. Based on the available evidence, the clinical significance of this alteration remains unclear.

Literature cited by the submitters: PubMed 17576681 (cited by Labcorp Genetics (formerly Invitae), Labcorp); PubMed 9536098 (cited by Labcorp Genetics (formerly Invitae), Labcorp).